The following is an entry in ClinVar:

NM_000255.4(MMUT):c.1399C>T (p.Arg467Ter)

Gene: MMUT (methylmalonyl-CoA mutase; minus strand). Cytogenetic location: 6p12.3.
Variant type: single nucleotide variant.
Coding change: c.1399C>T on transcript NM_000255.4 (MANE Select); coding-DNA position 1399, C replaced by T.
Protein change: p.Arg467Ter; replaces arginine 467 with a stop codon.
Molecular consequence: nonsense.
Genome position (GRCh38, 1-based): chr6:49,448,861, G>A on the plus strand (C>T on the coding strand, the complement: MMUT is on the minus strand). VCF-style: chr6-49448861-G-A. GRCh37 (hg19) VCF-style: chr6-49416574-G-A.
Other names: short protein forms R467*.
Identifiers: ClinVar variation 495778 (VCV000495778.19), dbSNP rs774159791, ClinGen allele CA3846893.

ClinVar aggregate classification (germline): Pathogenic. Review status: criteria provided, multiple submitters, no conflicts (2 of 4 stars). 9 submissions from 9 submitters: Pathogenic (8). 1 of the submissions does not count toward it. Last evaluated 2026-09-04.

Conditions:
MMUT-related disorder. Also called: MMUT-related condition.
MUT-related disorders.
Methylmalonic aciduria due to complete methylmalonyl-CoA mutase deficiency.
Methylmalonic aciduria due to methylmalonyl-CoA mutase deficiency (MAMM). Also called: Methylmalonic aciduria, mut type. Identifiers: Orphanet 27, MedGen C1855114, MONDO:0009612, OMIM 251000.
Methylmalonic acidemia (MMA). Also called: Isolated Methylmalonic Acidemia. Identifiers: MedGen C0268583, MeSH C537358, MONDO:0002012, HP:0002912.

Allele frequency attached by ClinVar (database versions not stated): gnomAD 0.00003; TOPMed 0.00003; ExAC 0.00004; gnomAD exomes 0.00004 and 0.00007.
gnomAD v4.1: 66 of 1,613,322 alleles (0.0041%); highest among the groups gnomAD compares: Non-Finnish European, 0.0014%; no homozygotes.

Submissions (9):

PreventionGenetics, part of Exact Sciences
Classification: Pathogenic for MMUT-related condition. Last evaluated: 2026-09-04. Review status: criteria provided, single submitter. Criteria: ACMG Guidelines, 2015. Collection method: clinical testing. Allele origin: germline.
Comment: The MMUT c.1399C>T variant is predicted to result in premature protein termination (p.Arg467*). This variant has been reported in the homozygous or compound heterozygous state in many individuals with methylmalonic acidemia (Peters et al 2002. PubMed ID: 12402345; Acquaviva C et al 2005. PubMed ID: 15643616; Liu MY et al 2012. PubMed ID: 23430940; Worgan LC et al 2006. PubMed ID: 16281286; Dündar H et al 2012. PubMed ID: 22727635;). Functional studies indicate this variant impacts protein function (Acquaviva C et al 2005. PubMed ID: 15643616). This variant is reported in 0.14% of alleles in individuals of Ashkenazi Jewish descent in gnomAD. Nonsense variants in MMUT are expected to be pathogenic. This variant is interpreted as pathogenic.

Labcorp Genetics (formerly Invitae), Labcorp
Classification: Pathogenic. Last evaluated: 2026-01-24. Review status: criteria provided, single submitter. Criteria: Invitae Variant Classification Sherloc (09022015). Collection method: clinical testing. Allele origin: germline.
Comment: This sequence change creates a premature translational stop signal (p.Arg467*) in the MUT gene. It is expected to result in an absent or disrupted protein product. Loss-of-function variants in MUT are known to be pathogenic (PMID: 15781192). This variant is present in population databases (rs774159791, gnomAD 0.1%). This premature translational stop signal has been observed in individuals with methylmalonic acidemia (PMID: 12402345, 16281286, 22727635, 26790480). ClinVar contains an entry for this variant (Variation ID: 495778). For these reasons, this variant has been classified as Pathogenic.

Natera, Inc.
Classification: Pathogenic for Methylmalonic aciduria due to complete methylmalonyl-CoA mutase deficiency. Last evaluated: 2025-08-14. Review status: criteria provided, single submitter. Criteria: Natera Variant Classification Schema (03/2026). Collection method: clinical testing. Allele origin: germline.
Comment: The c.1399C>T variant in MMUT is a nonsense variant predicted to introduce a stop codon at amino acid 467. This variant is expected to result in nonsense mediated decay, truncation, or a dysfunctional protein product. This variant is rare in the general population with a frequency below the threshold expected for the associated phenotype(s). This variant has been observed in one or more individuals affected with the associated recessive disease, as either homozygous or compound heterozygous with a second variant (PMID: 16281286). Given the available evidence, this variant is classified as Pathogenic.

Immunogenetics and Transplant Biology Service, University Hospital "Città della Salute e della Scienza di Torino"
Classification: Pathogenic for Methylmalonic aciduria due to methylmalonyl-CoA mutase deficiency. Last evaluated: 2025-06-28. Review status: criteria provided, single submitter. Criteria: ACMG Guidelines, 2015. Collection method: clinical testing. Allele origin: germline. Affected: yes.

Blueprint Genetics
Classification: Pathogenic for MUT-related disorders. Last evaluated: 2024-06-21. Review status: criteria provided, single submitter. Criteria: ACMG Guidelines, 2015. Collection method: clinical testing. Allele origin: germline. Affected: yes. Observed: 2 variant alleles.

Fulgent Genetics
Classification: Pathogenic for Methylmalonic aciduria due to methylmalonyl-CoA mutase deficiency. Last evaluated: 2021-11-01. Review status: criteria provided, single submitter. Criteria: ACMG Guidelines, 2015. Collection method: clinical testing. Allele origin: unknown.

Illumina Laboratory Services, Illumina
Classification: Pathogenic for Methylmalonic aciduria due to methylmalonyl-CoA mutase deficiency. Last evaluated: 2018-10-05. Review status: criteria provided, single submitter. Criteria: ICSL Variant Classification Criteria 09 May 2019. Collection method: clinical testing. Allele origin: germline.
Comment: The MUT c.1399C>T (p.Arg467Ter) variant is a stop-gained variant that is predicted to result in a premature termination of the protein. This variant has been described in five studies in eight probands with classic methylmalonic acidemia (MMA), with one in a homozygous state and seven in a compound heterozygous state (Peters et al. 2002; Acquaviva et al. 2005; Worgan et al. 2006; DÃ¼ndar et al. 2012; Liu et al. 2012). The p.Arg467Ter variant was absent from 48 anonymous controls and is reported at a frequency of 0.001320 in the Ashkenazi Jewish population of the Genome Aggregation Database. Functional studies showed that six of the patients (one homozygote and five compound heterozygotes) carrying the p.Arg467Ter variant demonstrated zero enzyme activity ('mut0' phenotype) (Acquaviva et al. 2005). Based on the potential impact of truncating variants and presence in affected individuals, the p.Arg467Ter variant is classified as pathogenic for methylmalonic acidemia. This variant was observed by ICSL as part of a predisposition screen in an ostensibly healthy population.

Women's Health and Genetics/Laboratory Corporation of America, LabCorp
Classification: Pathogenic for Methylmalonic acidemia. Last evaluated: 2016-04-11. Review status: criteria provided, single submitter. Criteria: LabCorp Variant Classification Summary - May 2015. Collection method: clinical testing. Allele origin: germline.
Comment: Variant summary: The MUT c.1399C>T variant results into nonsense mutation in exon 7 predicted to cause a loss of protein function due to production of a truncated protein or nonsense-mediated mRNA decay. It was exclusively observed in the Non-Finnish European sub-cohort of the ExAC project at an allele frequency of 0.0015%, which does not exceed the maximal expected allele frequency of a disease-causing MUT allele (0.24%). In the literature, the variant was observed in several patients with methylmalonic aciduria in compound heterozygosity with other truncating as well as missense variants, consistent with a disease-causing nature. Two reputable databases as well as one clinical lab has classified this variant as pathogenic. Considering all evidence, the variant has been classified as a Disease Variant/Pathogenic.

Counsyl
Classification: Pathogenic for Methylmalonic aciduria due to methylmalonyl-CoA mutase deficiency. Last evaluated: 2017-01-03. Review status: no assertion criteria provided. Collection method: clinical testing. Allele origin: unknown. Not counted in ClinVar's aggregate classification.

Literature cited by the submitters: PubMed 15781192 (cited by Labcorp Genetics (formerly Invitae), Labcorp); PubMed 12402345 (cited by 3 submitters); PubMed 16281286 (cited by 4 submitters); PubMed 22727635 (cited by 3 submitters); PubMed 26790480 (cited by Labcorp Genetics (formerly Invitae), Labcorp and Women's Health and Genetics/Laboratory Corporation of America, LabCorp); PubMed 15643616 (cited by Illumina Laboratory Services, Illumina and Women's Health and Genetics/Laboratory Corporation of America, LabCorp); PubMed 23430940 (cited by Illumina Laboratory Services, Illumina and Women's Health and Genetics/Laboratory Corporation of America, LabCorp); PubMed 25771389 (cited by Women's Health and Genetics/Laboratory Corporation of America, LabCorp).